The following is an entry in ClinVar:

ClinVar aggregate classification (germline): Uncertain significance (1 of 4 stars; one submission).

Allele frequency attached by ClinVar (database versions not stated): TOPMed below 0.00001; gnomAD 0.00001; gnomAD exomes below 0.00001.
gnomAD v4.1: 2 of 1,613,752 alleles (0.00012%); highest among the groups gnomAD compares: Non-Finnish European, 0.00017%; no homozygotes.

Submission:

GeneDx
Classification: Uncertain significance. Last evaluated: 2016-12-09. Review status: criteria provided, single submitter. Criteria: GeneDx Variant Classification (06012015). Collection method: clinical testing. Allele origin: germline. Affected: yes.
Comment: The T328I variant in the CDON gene has not been reported previously as a pathogenic variant, nor as a benign variant, to our knowledge. The T328I variant was not observed in approximately 6500 individuals of European and African American ancestry in the NHLBI Exome Sequencing Project, indicating it is not a common benign variant in these populations. The T328I variant is a non-conservative amino acid substitution, which is likely to impact secondary protein structure as these residues differ in polarity, charge, size and/or other properties. This substitution occurs at a position that is not conserved and in silico analysis is inconsistent in its predictions as to whether or not the variant is damaging to the protein structure/function. We interpret T328I as a variant of uncertain significance

NM_001378964.1(CDON):c.983C>T (p.Thr328Ile)

Gene: CDON (cell adhesion associated, oncogene regulated; minus strand). Cytogenetic location: 11q24.2.
Variant type: single nucleotide variant.
Coding change: c.983C>T on transcript NM_001378964.1 (MANE Select); coding-DNA position 983, C replaced by T.
Protein change: p.Thr328Ile; replaces threonine 328 with isoleucine.
Molecular consequence: missense variant.
Genome position (GRCh38, 1-based): chr11:126,015,456, G>A on the plus strand (C>T on the coding strand, the complement: CDON is on the minus strand). VCF-style: chr11-126015456-G-A. GRCh37 (hg19) VCF-style: chr11-125885351-G-A.
Other names: c.983C>T, p.Thr328Ile (NM_001243597.3, NM_016952.6); short protein forms T328I.
Identifiers: ClinVar variation 420488 (VCV000420488.2), dbSNP rs897565171, ClinGen allele CA16619289.